The following is an entry in ClinVar:

ClinVar aggregate classification (germline): Pathogenic (1 of 4 stars; one submission).

Submission:

Labcorp Genetics (formerly Invitae), Labcorp
Classification: Pathogenic. Last evaluated: 2023-08-04. Review status: criteria provided, single submitter. Criteria: Invitae Variant Classification Sherloc (09022015). Collection method: clinical testing. Allele origin: germline.
Comment: This sequence change creates a premature translational stop signal (p.Met503Trpfs*8) in the USH1C gene. It is expected to result in an absent or disrupted protein product. Loss-of-function variants in USH1C are known to be pathogenic (PMID: 10973247, 17407589, 20301442, 21203349). For these reasons, this variant has been classified as Pathogenic. This variant has not been reported in the literature in individuals affected with USH1C-related conditions. This variant is not present in population databases (gnomAD no frequency).

Literature cited by the submitters: PubMed 10973247; PubMed 17407589; PubMed 20301442; PubMed 21203349.

NM_153676.4(USH1C):c.2407del (p.Met803fs)

Gene: USH1C (USH1 protein network component harmonin; minus strand). Cytogenetic location: 11p15.1.
Variant type: Deletion.
Coding change: c.2407del on transcript NM_153676.4 (MANE Select); coding-DNA position 2407, one base deleted (A; older notation c.2407delA).
Protein change: p.Met803fs; shifts the reading frame from methionine 803.
Molecular consequence: frameshift variant. On other transcripts: non-coding transcript variant (1).
Genome position (GRCh38, 1-based): chr11:17,498,245, T deleted on the plus strand (A on the coding strand, the reverse complement: USH1C is on the minus strand). VCF-style (leftmost placement, unchanged base first): chr11-17498244-AT-A. GRCh37 (hg19) VCF-style: chr11-17519791-AT-A.
Other names: c.1450del, p.Met484fs (NM_001297764.2); c.1507del, p.Met503fs (NM_005709.4); short protein forms M503fs, M803fs, M484fs.
Identifiers: ClinVar variation 2747541 (VCV002747541.3), dbSNP rs2496983752, ClinGen allele CA2697548466.